The following is an entry in ClinVar:

ClinVar aggregate classification (germline): Benign (1 of 4 stars; one submission).

gnomAD v4.1: 16,507 of 1,614,220 alleles (1%); highest among the groups gnomAD compares: Non-Finnish European, 1.2%; 105 homozygotes.

Submissions (6):

CeGaT Center for Human Genetics Tuebingen
Classification: Benign. Last evaluated: 2026-08-01. Review status: criteria provided, single submitter. Criteria: CeGaT Center For Human Genetics Tuebingen Variant Classification Criteria Version 2. Collection method: clinical testing. Allele origin: germline. Affected: yes. Observed: 1 variant allele.
Comment: PRPF40B: BS1, BS2

Dr. Peter K. Rogan Lab, Western University
No classification provided (evidence only). Condition: Lung cancer. Review status: no classification provided. Collection method: in vitro. Allele origin: not applicable. Functional consequence: retained intron. Not counted in ClinVar's aggregate classification.

Dr. Peter K. Rogan Lab, Western University
No classification provided (evidence only). Condition: Uterine corpus endometrial carcinoma. Review status: no classification provided. Collection method: in vitro. Allele origin: not applicable. Functional consequence: retained intron. Not counted in ClinVar's aggregate classification.

Dr. Peter K. Rogan Lab, Western University
No classification provided (evidence only). Condition: Ovarian serous cystadenocarcinoma. Review status: no classification provided. Collection method: in vitro. Allele origin: not applicable. Functional consequence: retained intron. Not counted in ClinVar's aggregate classification.

Dr. Peter K. Rogan Lab, Western University
No classification provided (evidence only). Condition: Uveal melanoma. Review status: no classification provided. Collection method: in vitro. Allele origin: not applicable. Functional consequence: retained intron. Not counted in ClinVar's aggregate classification.

Dr. Peter K. Rogan Lab, Western University
No classification provided (evidence only). Condition: Malignant tumor of esophagus. Review status: no classification provided. Collection method: in vitro. Allele origin: not applicable. Functional consequence: retained intron. Not counted in ClinVar's aggregate classification.

NM_001031698.3(PRPF40B):c.580+15G>A

Gene: PRPF40B (pre-mRNA processing factor 40B; plus strand). Cytogenetic location: 12q13.12.
Variant type: single nucleotide variant.
Coding change: c.580+15G>A on transcript NM_001031698.3 (MANE Select); 15 bases into the intron after coding-DNA position 580, G replaced by A.
Molecular consequence: intron variant.
Genome position (GRCh38, 1-based): chr12:49,633,562, G>A. VCF-style: chr12-49633562-G-A. GRCh37 (hg19) VCF-style: chr12-50027345-G-A.
Other names: NC_000012.11:g.50027345G>A; c.496+15G>A (NM_012272.3); c.580+15G>A (NM_001363607.2, NM_001379030.1); c.469+15G>A (NM_001379033.1, NM_001379034.1); c.499+15G>A (NM_001379031.1, NM_001379032.1); c.388+15G>A (NM_001379035.1, NM_001379036.1, NM_001379037.1).
Identifiers: ClinVar variation 4385182 (VCV004385182.2).